The following is an entry in ClinVar:

ClinVar aggregate classification (germline): Uncertain significance. Review status: criteria provided, multiple submitters, no conflicts (2 of 4 stars). 6 submissions from 6 submitters: Uncertain significance (3). 3 of the submissions do not count toward it. Last evaluated 2026-01-27.

Conditions:
Left ventricular noncompaction 8 (LVNC8). Identifiers: Orphanet 154, Orphanet 54260, MedGen C3809288, MONDO:0014152, OMIM 615373.

Allele frequency attached by ClinVar (database versions not stated): ExAC 0.00007; TOPMed 0.00008; gnomAD 0.00009; gnomAD exomes 0.00011 and 0.00016.
gnomAD v4.1: 243 of 1,613,624 alleles (0.015%); highest among the groups gnomAD compares: Non-Finnish European, 0.018%; no homozygotes.

Submissions (6):

Labcorp Genetics (formerly Invitae), Labcorp
Classification: Uncertain significance for Left ventricular noncompaction 8. Last evaluated: 2026-01-27. Review status: criteria provided, single submitter. Criteria: Invitae Variant Classification Sherloc (09022015). Collection method: clinical testing. Allele origin: germline.
Comment: This sequence change replaces aspartic acid, which is acidic and polar, with asparagine, which is neutral and polar, at codon 985 of the PRDM16 protein (p.Asp985Asn). This variant is present in population databases (rs758565663, gnomAD 0.01%). This missense change has been observed in individual(s) with dilated cardiomyopathy (PMID: 32880476). ClinVar contains an entry for this variant (Variation ID: 373270). An algorithm developed to predict the effect of missense changes on protein structure and function (PolyPhen-2) suggests that this variant is likely to be disruptive. In summary, the available evidence is currently insufficient to determine the role of this variant in disease. Therefore, it has been classified as a Variant of Uncertain Significance.

ARUP Laboratories, Molecular Genetics and Genomics, ARUP Laboratories
Classification: Uncertain significance. Last evaluated: 2023-09-28. Review status: criteria provided, single submitter. Criteria: ARUP Molecular Germline Variant Investigation Process 2024. Collection method: clinical testing. Allele origin: germline.
Comment: The PRDM16 c.2953G>A; p.Asp985Asn variant (rs758565663) is reported in the literature in an individual affected with cardiomyopathy, though it was not demonstrated to be disease-causing (Verdonschot 2020). This variant is found in the general population with an overall allele frequency of 0.01% (28/280,652 alleles) in the Genome Aggregation Database. Computational analyses are uncertain whether this variant is neutral or deleterious (REVEL: 0.343). Given the lack of clinical and functional data, the significance of the p.Asp985Asn variant is uncertain at this time. References: Verdonschot JAJ et al. Implications of Genetic Testing in Dilated Cardiomyopathy. Circ Genom Precis Med. 2020 Oct;13(5):476-487. PMID: 32880476.

GeneDx
Classification: Uncertain significance. Last evaluated: 2016-11-21. Review status: criteria provided, single submitter. Criteria: GeneDx Variant Classification (06012015). Collection method: clinical testing. Allele origin: germline. Affected: yes.
Comment: A variant of uncertain significance has been identified in the PRDM16 gene. The D985N variant has not been published as a pathogenic variant, nor has it been reported as a benign variant to our knowledge. The D985N variant was not observed in approximately 6,500 individuals of European and African American ancestry in the NHLBI Exome Sequencing Project, indicating it is not a common benign variant in these populations. Additionally, D985N is a semi-conservative amino acid substitution, which may impact secondary protein structure as these residues differ in some properties. Furthermore, this substitution occurs at a position that is conserved across species and in silico analysis predicts this variant is probably damaging to the protein structure/function.However, additional evidence is needed to determine whether this variant is pathogenic or benign.

Clinical Genetics, Academic Medical Center
Classification: Uncertain significance. Review status: no assertion criteria provided. Collection method: clinical testing. Allele origin: germline. Affected: yes. Study: VKGL Data-share Consensus. Not counted in ClinVar's aggregate classification.

Diagnostic Laboratory, Department of Genetics, University Medical Center Groningen
Classification: Uncertain significance. Review status: no assertion criteria provided. Collection method: clinical testing. Allele origin: germline. Affected: yes. Study: VKGL Data-share Consensus. Not counted in ClinVar's aggregate classification.

Joint Genome Diagnostic Labs from Nijmegen and Maastricht, Radboudumc and MUMC+
Classification: Uncertain significance. Review status: no assertion criteria provided. Collection method: clinical testing. Allele origin: germline. Affected: yes. Study: VKGL Data-share Consensus. Not counted in ClinVar's aggregate classification.

Literature cited by the submitters: PubMed 32880476 (cited by Labcorp Genetics (formerly Invitae), Labcorp).

NM_022114.4(PRDM16):c.2953G>A (p.Asp985Asn)

Gene: PRDM16 (PR/SET domain 16; plus strand). Cytogenetic location: 1p36.32.
Variant type: single nucleotide variant.
Coding change: c.2953G>A on transcript NM_022114.4 (MANE Select); coding-DNA position 2953, G replaced by A.
Protein change: p.Asp985Asn; replaces aspartic acid 985 with asparagine.
Molecular consequence: missense variant.
Genome position (GRCh38, 1-based): chr1:3,425,594, G>A. VCF-style: chr1-3425594-G-A. GRCh37 (hg19) VCF-style: chr1-3342158-G-A.
Other names: c.2953G>A, p.Asp985Asn (NM_199454.3); short protein forms D985N.
Identifiers: ClinVar variation 373270 (VCV000373270.16), dbSNP rs758565663, ClinGen allele CA544682.